The following is an entry in ClinVar:

NM_003137.5(SRPK1):c.1946G>A (p.Arg649Gln)

Gene: SRPK1 (SRSF protein kinase 1; minus strand). Cytogenetic location: 6p21.31.
Variant type: single nucleotide variant.
Coding change: c.1946G>A on transcript NM_003137.5 (MANE Select); coding-DNA position 1946, G replaced by A.
Protein change: p.Arg649Gln; replaces arginine 649 with glutamine.
Molecular consequence: missense variant. On other transcripts: non-coding transcript variant (1).
Genome position (GRCh38, 1-based): chr6:35,835,326, C>T on the plus strand (G>A on the coding strand, the complement: SRPK1 is on the minus strand). VCF-style: chr6-35835326-C-T. GRCh37 (hg19) VCF-style: chr6-35803103-C-T.
Other names: short protein forms R649Q.
Identifiers: ClinVar variation 4820689 (VCV004820689.4).

ClinVar aggregate classification (germline): Benign (1 of 4 stars; one submission).

gnomAD v4.1: 17,008 of 1,613,484 alleles (1.1%); highest among the groups gnomAD compares: Non-Finnish European, 1.2%; 113 homozygotes.

Submission:

CeGaT Center for Human Genetics Tuebingen
Classification: Benign. Last evaluated: 2026-04-01. Review status: criteria provided, single submitter. Criteria: CeGaT Center For Human Genetics Tuebingen Variant Classification Criteria Version 2. Collection method: clinical testing. Allele origin: germline. Affected: yes. Observed: 3 variant alleles.
Comment: SRPK1: BS1, BS2